The following is an entry in ClinVar:

NM_001199397.3(NEK1):c.2588-12_2588-11del

Gene: NEK1 (NIMA related kinase 1; minus strand). Cytogenetic location: 4q33.
Variant type: Deletion.
Coding change: c.2588-12_2588-11del on transcript NM_001199397.3 (MANE Select); 12 bases into the intron before coding-DNA position 2588 through 11 bases into the intron before coding-DNA position 2588, 2 bases deleted (TT; older notation c.2588-12_2588-11delTT).
Molecular consequence: intron variant.
Genome position (GRCh38, 1-based): chr4:169,438,270-169,438,271, AA deleted on the plus strand (TT on the coding strand, the reverse complement: NEK1 is on the minus strand); deleting any 2 consecutive bases within chr4:169,438,270-169,438,275 gives the same sequence; the c. name uses the placement nearest the transcript's 3' end. VCF-style (leftmost placement, unchanged base first): chr4-169438269-CAA-C. GRCh37 (hg19) VCF-style: chr4-170359420-CAA-C.
Other names: c.2504-12_2504-11delTT (NM_012224.2); c.2282-4606_2282-4605del (NM_001374421.1); c.2453-12_2453-11del (NM_001374420.1); c.2297-12_2297-11del (NM_001199399.3); c.2456-12_2456-11del (NM_001199398.3); c.2504-12_2504-11del (NM_001374419.1, NM_012224.4); c.2372-12_2372-11del (NM_001199400.3); c.2588-12_2588-11del (NM_001374418.1).
Identifiers: ClinVar variation 516330 (VCV000516330.14), dbSNP rs374055570, ClinGen allele CA3137370.

ClinVar aggregate classification (germline): Benign. Review status: criteria provided, multiple submitters, no conflicts (2 of 4 stars). 4 submissions from 4 submitters: Benign (4). Last evaluated 2026-02-01.

Conditions:
Short-rib thoracic dysplasia 6 with or without polydactyly (SRTD6). Also called: POLYDACTYLY WITH NEONATAL CHONDRODYSTROPHY, TYPE II; SHORT-RIB THORACIC DYSPLASIA 6 WITH POLYDACTYLY; SHORT RIB-POLYDACTYLY SYNDROME, TYPE IIA; Majewski Syndrome; SHORT-RIB THORACIC DYSPLASIA 6 WITHOUT POLYDACTYLY. Identifiers: MedGen C0024507, MONDO:0009894, OMIM 263520.

Submissions (4):

Labcorp Genetics (formerly Invitae), Labcorp
Classification: Benign for Short-rib thoracic dysplasia 6 with or without polydactyly. Last evaluated: 2026-02-01. Review status: criteria provided, single submitter. Criteria: Invitae Variant Classification Sherloc (09022015). Collection method: clinical testing. Allele origin: germline.

ARUP Laboratories, Molecular Genetics and Genomics, ARUP Laboratories
Classification: Benign. Last evaluated: 2024-01-26. Review status: criteria provided, single submitter. Criteria: ARUP Molecular Germline Variant Investigation Process 2024. Collection method: clinical testing. Allele origin: germline.

Genetic Services Laboratory, University of Chicago
Classification: Benign. Last evaluated: 2019-08-21. Review status: criteria provided, single submitter. Criteria: ACMG Guidelines, 2015. Collection method: clinical testing. Allele origin: germline. Affected: no.

GeneDx
Classification: Benign. Last evaluated: 2017-04-11. Review status: criteria provided, single submitter. Criteria: GeneDx Variant Classification (06012015). Collection method: clinical testing. Allele origin: germline. Affected: yes.
Comment: This variant is considered likely benign or benign based on one or more of the following criteria: it is a conservative change, it occurs at a poorly conserved position in the protein, it is predicted to be benign by multiple in silico algorithms, and/or has population frequency not consistent with disease.